The following is an entry in ClinVar:

ClinVar aggregate classification (germline): Uncertain significance. Review status: criteria provided, multiple submitters, no conflicts (2 of 4 stars). 2 submissions from 2 submitters: Uncertain significance (2). Last evaluated 2026-10-03.

Conditions:
Cognitive impairment with or without cerebellar ataxia (CIAT). Identifiers: MedGen C3280415, MONDO:0013680, OMIM 614306.

Submissions (2):

GeneDx
Classification: Uncertain significance. Last evaluated: 2026-10-03. Review status: criteria provided, single submitter. Criteria: GeneDx Variant Classification Process June 2021. Collection method: clinical testing. Allele origin: germline.
Comment: Not observed at significant frequency in large population cohorts (gnomAD); In silico analysis supports that this missense variant has a deleterious effect on protein structure/function; Has not been previously published as pathogenic or benign to our knowledge

Pittsburgh Clinical Genomics Laboratory, University of Pittsburgh Medical Center
Classification: Uncertain significance for Cognitive impairment with or without cerebellar ataxia. Last evaluated: 2022-12-23. Review status: criteria provided, single submitter. Criteria: ACMG Guidelines, 2015. Collection method: clinical testing. Allele origin: germline. Inheritance: Autosomal dominant inheritance. Affected: yes.
Comment: This sequence variant is a single nucleotide substitution (C>T) at coding position 4867 of the SCN8A gene that results in an arginine to cysteine amino acid change at residue 1623 of the SCN8A protein. This is a previously reported variant (ClinVar) that has not been observed in the literature in individuals with SCN8A-related illness, to our knowledge. This variant is absent from the gnomAD population database (0 of ~250,000 alleles). Bioinformatic tools predict that this variant would be damaging, and the Arg1623 residue is highly conserved across the mammalian species examined. Functiol studies testing the effect of this variant have not been performed, to our knowledge. At this time, there is insufficient evidence to determine if this variant is pathogenic or benign. Therefore, we consider this to be a variant of uncertain significance. ACMG Criteria: PM2, PP3

NM_001330260.2(SCN8A):c.4867C>T (p.Arg1623Cys)

Gene: SCN8A (sodium voltage-gated channel alpha subunit 8; plus strand). Cytogenetic location: 12q13.13.
Variant type: single nucleotide variant.
Coding change: c.4867C>T on transcript NM_001330260.2 (MANE Select); coding-DNA position 4867, C replaced by T.
Protein change: p.Arg1623Cys; replaces arginine 1623 with cysteine.
Molecular consequence: missense variant.
Genome position (GRCh38, 1-based): chr12:51,806,353, C>T. VCF-style: chr12-51806353-C-T. GRCh37 (hg19) VCF-style: chr12-52200137-C-T.
Other names: c.4744C>T, p.Arg1582Cys (NM_001177984.3, NM_001369788.1); c.4867C>T, p.Arg1623Cys (NM_014191.4); c.4867C>T (NM_001330260.1); short protein forms R1582C, R1623C.
Identifiers: ClinVar variation 1318937 (VCV001318937.4), dbSNP rs867420193, ClinGen allele CA236327337.